The following is an entry in ClinVar:

NM_001005361.3(DNM2):c.1696C>A (p.Pro566Thr)

Gene: DNM2 (dynamin 2; plus strand). Cytogenetic location: 19p13.2.
Variant type: single nucleotide variant.
Coding change: c.1696C>A on transcript NM_001005361.3 (MANE Select); coding-DNA position 1696, C replaced by A.
Protein change: p.Pro566Thr; replaces proline 566 with threonine.
Molecular consequence: missense variant.
Genome position (GRCh38, 1-based): chr19:10,820,004, C>A. VCF-style: chr19-10820004-C-A. GRCh37 (hg19) VCF-style: chr19-10930680-C-A.
Other names: c.1696C>A, p.Pro566Thr (NM_001005360.3, NM_001190716.2); c.1684C>A, p.Pro562Thr (NM_001005362.3, NM_004945.4); short protein forms P562T, P566T.
Identifiers: ClinVar variation 2731256 (VCV002731256.3), dbSNP rs918914036, ClinGen allele CA305262693.

ClinVar aggregate classification (germline): Uncertain significance (1 of 4 stars; one submission).

Conditions:
Charcot-Marie-Tooth disease dominant intermediate B (CMTDIB). Also called: Charcot-Marie-Tooth disease dominant intermediate 1; CMT DI1; Charcot-Marie-Tooth disease dominant intermediate I; CHARCOT-MARIE-TOOTH NEUROPATHY, DOMINANT INTERMEDIATE B. Identifiers: Orphanet 100044, Orphanet 228179, MedGen C1847902, MONDO:0011674, OMIM 606482.

gnomAD v4.1: 1 of 1,614,212 alleles (0.000062%); highest among the groups gnomAD compares: African/African-American, 0.0013%; no homozygotes.

Submission:

Labcorp Genetics (formerly Invitae), Labcorp
Classification: Uncertain significance for Charcot-Marie-Tooth disease dominant intermediate B. Last evaluated: 2022-11-24. Review status: criteria provided, single submitter. Criteria: Invitae Variant Classification Sherloc (09022015). Collection method: clinical testing. Allele origin: germline.
Comment: This sequence change replaces proline, which is neutral and non-polar, with threonine, which is neutral and polar, at codon 566 of the DNM2 protein (p.Pro566Thr). This variant is present in population databases (no rsID available, gnomAD 0.007%). This variant has not been reported in the literature in individuals affected with DNM2-related conditions. Advanced modeling of protein sequence and biophysical properties (such as structural, functional, and spatial information, amino acid conservation, physicochemical variation, residue mobility, and thermodynamic stability) has been performed at Invitae for this missense variant, however the output from this modeling did not meet the statistical confidence thresholds required to predict the impact of this variant on DNM2 protein function. In summary, the available evidence is currently insufficient to determine the role of this variant in disease. Therefore, it has been classified as a Variant of Uncertain Significance.